The following is an entry in ClinVar:

ClinVar aggregate classification (germline): Conflicting classifications of pathogenicity. Review status: criteria provided, conflicting classifications (1 of 4 stars). 5 submissions from 5 submitters: Likely pathogenic (4); Uncertain significance (1). Last evaluated 2026-01-31.

Conditions:
Hereditary cancer-predisposing syndrome. Also called: Tumor predisposition; Hereditary Cancer Syndrome; Hereditary neoplastic syndrome; Neoplastic Syndromes, Hereditary. Identifiers: Orphanet 140162, MedGen C0027672, MeSH D009386, MONDO:0015356.
Familial adenomatous polyposis 2. Also called: COLORECTAL ADENOMATOUS POLYPOSIS, AUTOSOMAL RECESSIVE; MUTYH Polyposis; MUTYH-associated polyposis; MUTYH-related attenuated familial adenomatous polyposis; Adenomas, multiple colorectal; ADENOMAS, MULTIPLE COLORECTAL, AUTOSOMAL RECESSIVE. Identifiers: Orphanet 220460, Orphanet 247798, MedGen C3272841, MONDO:0012041, OMIM 608456.

Allele frequency attached by ClinVar (database versions not stated): gnomAD exomes 0.00002 and 0.00003.
gnomAD v4.1: 23 of 1,614,106 alleles (0.0014%); highest among the groups gnomAD compares: South Asian, 0.015%; 1 homozygote.

Submissions (5):

Labcorp Genetics (formerly Invitae), Labcorp
Classification: Likely pathogenic for Familial adenomatous polyposis 2. Last evaluated: 2026-01-31. Review status: criteria provided, single submitter. Criteria: Invitae Variant Classification Sherloc (09022015). Collection method: clinical testing. Allele origin: germline.
Comment: This sequence change replaces arginine, which is basic and polar, with glutamine, which is neutral and polar, at codon 241 of the MUTYH protein (p.Arg241Gln). This variant is present in population databases (no rsID available, gnomAD 0.02%), including at least one homozygous and/or hemizygous individual. This missense change has been observed in individuals with polyposis or colon cancer and polyposis (100-500 polyps) and colorectal cancer (PMID: 19732775, 21520333; internal data). ClinVar contains an entry for this variant (Variation ID: 406867). An algorithm developed to predict the effect of missense changes on protein structure and function (PolyPhen-2) suggests that this variant is likely to be disruptive. This variant disrupts the p.Arg241 amino acid residue in MUTYH. Other variant(s) that disrupt this residue have been determined to be pathogenic (PMID: 14991577, 15673720, 24470512, 25820570, 27194394; internal data). This suggests that this residue is clinically significant, and that variants that disrupt this residue are likely to be disease-causing. In summary, the currently available evidence indicates that the variant is pathogenic, but additional data are needed to prove that conclusively. Therefore, this variant has been classified as Likely Pathogenic.

Color Diagnostics, LLC DBA Color Health
Classification: Likely pathogenic for Hereditary cancer-predisposing syndrome. Last evaluated: 2025-07-25. Review status: criteria provided, single submitter. Criteria: ACMG Guidelines, 2015. Collection method: clinical testing. Allele origin: germline.
Comment: This missense variant replaces arginine with glutamine at codon 241 of the MUTYH protein. Computational prediction suggests that this variant may have deleterious impact on protein structure and function. Functional studies have shown that this variant disrupts glycosylase activity of the MUTYH protein (PMID: 40234396). The variant c.722G>A has been reported with a pathogenic variant (p.Gly396Asp) in MUTYH in an individual with polyposis (100-500 polyps), colorectal cancer, breast cancer, and spinalioma (PMID: 19732775). While it is unknown if these two variants are on the same or opposite chromosomes, this observation suggests the c.722G>A substitution may contribute to the cause of disease. Also, this variant has been observed in homozygosity in an individual with polyposis (PMID: 21520333). This variant has been identified in 7/250422 chromosomes in the general population by the Genome Aggregation Database (gnomAD). Based on the available evidence, this variant is classified as Likely Pathogenic.

Ambry Genetics
Classification: Likely pathogenic for Hereditary cancer-predisposing syndrome. Last evaluated: 2025-05-14. Review status: criteria provided, single submitter. Criteria: Ambry Variant Classification Scheme 2023. Collection method: clinical testing. Allele origin: germline.
Comment: The p.R241Q variant (also known as c.722G>A), located in coding exon 9 of the MUTYH gene, results from a G to A substitution at nucleotide position 722. The arginine at codon 241 is replaced by glutamine, an amino acid with highly similar properties. This alteration has also been reported in 1 of 257 patients with MUTYH-associated polyposis (MAP) (Nielsen M et al. Gastroenterology. 2009 Feb;136:471-6). This amino acid position is highly conserved in available vertebrate species. In addition, this alteration is predicted to be deleterious by in silico analysis. Based on the majority of available evidence to date, this variant is likely to be pathogenic.

GeneDx
Classification: Uncertain significance. Last evaluated: 2025-05-04. Review status: criteria provided, single submitter. Criteria: GeneDx Variant Classification Process June 2021. Collection method: clinical testing. Allele origin: germline. Affected: yes.
Comment: In silico analysis supports that this missense variant has a deleterious effect on protein structure/function; This variant is associated with the following publications: (PMID: 11801590, 23108399, 14991577, 15673720, 19394335, 25820570, 27194394, 40234396, 24470512, 19032956, 19732775)

Baylor Genetics
Classification: Likely pathogenic for Familial adenomatous polyposis 2. Last evaluated: 2023-12-12. Review status: criteria provided, single submitter. Criteria: ACMG Guidelines, 2015. Collection method: clinical testing. Allele origin: unknown.

Literature cited by the submitters: PubMed 19732775 (cited by 3 submitters); PubMed 21520333 (cited by Labcorp Genetics (formerly Invitae), Labcorp and Color Diagnostics, LLC DBA Color Health); PubMed 14991577 (cited by Labcorp Genetics (formerly Invitae), Labcorp); PubMed 15673720 (cited by Labcorp Genetics (formerly Invitae), Labcorp); PubMed 24470512 (cited by Labcorp Genetics (formerly Invitae), Labcorp); PubMed 25820570 (cited by Labcorp Genetics (formerly Invitae), Labcorp); PubMed 27194394 (cited by Labcorp Genetics (formerly Invitae), Labcorp); PubMed 40234396 (cited by Color Diagnostics, LLC DBA Color Health); PubMed 19032956 (cited by Ambry Genetics).

NM_001048174.2(MUTYH):c.638G>A (p.Arg213Gln)

Gene: MUTYH (mutY DNA glycosylase; minus strand). Cytogenetic location: 1p34.1.
Variant type: single nucleotide variant.
Coding change: c.638G>A on transcript NM_001048174.2 (MANE Select); coding-DNA position 638, G replaced by A.
Protein change: p.Arg213Gln; replaces arginine 213 with glutamine.
Molecular consequence: missense variant. On other transcripts: non-coding transcript variant (2).
Genome position (GRCh38, 1-based): chr1:45,332,457, C>T on the plus strand (G>A on the coding strand, the complement: MUTYH is on the minus strand). VCF-style: chr1-45332457-C-T. GRCh37 (hg19) VCF-style: chr1-45798129-C-T.
Other names: c.638G>A, p.Arg213Gln (NM_001048171.2, NM_001048173.2, NM_001293195.2); c.641G>A, p.Arg214Gln (NM_001048172.2); c.722G>A, p.Arg241Gln (NM_001128425.2); c.683G>A, p.Arg228Gln (NM_001293190.2); c.671G>A, p.Arg224Gln (NM_001293191.2); c.362G>A, p.Arg121Gln (NM_001293192.2, NM_001293196.2); c.293G>A, p.Arg98Gln (NM_001350650.2, NM_001350651.2); c.713G>A, p.Arg238Gln (NM_012222.3); short protein forms R241Q, R214Q, R213Q, R228Q, R121Q, R224Q, R238Q, R98Q.
Identifiers: ClinVar variation 406867 (VCV000406867.23), dbSNP rs1060501346, ClinGen allele CA16610124.
Genomic context (GRCh38, chr1:45,332,457, plus strand): 5'-TGCTGGGAAACAAGGGTGCTGCTGGGATCAGCACCAATGGCTCGGACACGGCACAGCACC[C>T]GTGCTACGTTGCCATCCACCACACCGGTTGCCTGGCACAGAGGGGCCAAAGAGTTAGCCT-3'
Protein context (NP_001041639.1, residues 203-223): ATGVVDGNVA[Arg213Gln]VLCRVRAIGA